The following is an entry in ClinVar:

NM_014672.4(PRORP):c.1468G>A (p.Gly490Arg)

Genes: PRORP (protein only RNase P catalytic subunit; plus strand), PRORP-PSMA6 (PRORP-PSMA6 readthrough; plus strand). Cytogenetic location: 14q13.2.
Variant type: single nucleotide variant.
Coding change: c.1468G>A on transcript NM_014672.4 (MANE Select); coding-DNA position 1468, G replaced by A.
Protein change: p.Gly490Arg; replaces glycine 490 with arginine.
Molecular consequence: missense variant. On other transcripts: non-coding transcript variant (4).
Genome position (GRCh38, 1-based): chr14:35,270,444, G>A. VCF-style: chr14-35270444-G-A. GRCh37 (hg19) VCF-style: chr14-35739650-G-A.
Other names: c.1468G>A, p.Gly490Arg (NM_001414503.1); c.1183G>A, p.Gly395Arg (NM_001256679.2); c.352G>A, p.Gly118Arg (NM_001256680.2, NM_001256681.2); c.1420G>A, p.Gly474Arg (NM_001256678.2); short protein forms G395R, G118R, G490R, G474R.
Identifiers: ClinVar variation 5027374 (VCV005027374.1).

ClinVar aggregate classification (germline): Uncertain significance (1 of 4 stars; one submission).

gnomAD v4.1: 35 of 1,613,986 alleles (0.0022%); highest among the groups gnomAD compares: Non-Finnish European, 0.0025%; no homozygotes.

Submission:

Ambry Genetics
Classification: Uncertain significance. Last evaluated: 2026-08-17. Review status: criteria provided, single submitter. Criteria: Ambry Variant Classification Scheme 2023. Collection method: clinical testing. Allele origin: germline.
Comment: The c.1468G>A (p.G490R) alteration is located in exon 7 (coding exon 6) of the PRORP gene. This alteration results from a G to A substitution at nucleotide position 1468, causing the glycine (G) at amino acid position 490 to be replaced by an arginine (R). Based on data from gnomAD, the A allele has an overall frequency of 0.002% (6/251426) total alleles studied. The highest observed frequency was 0.006% (2/34588) of Latino alleles. This amino acid position is highly conserved in available vertebrate species. This alteration is predicted to be deleterious by in silico analysis. Based on insufficient or conflicting evidence, the clinical significance of this alteration remains unclear.